The following is an entry in ClinVar:

ClinVar aggregate classification (germline): Uncertain significance (1 of 4 stars; one submission).

Conditions:
CHARGE syndrome (CHARGE). Also called: Hittner Hirsch Kreh syndrome; CHARGE ASSOCIATION--COLOBOMA, HEART ANOMALY, CHOANAL ATRESIA, RETARDATION, GENITAL AND EAR ANOMALIES; Coloboma, heart anomaly, choanal atresia, retardation, genital and ear anomalies; CHARGE association; Hall-Hittner syndrome. Identifiers: Orphanet 138, MedGen C0265354, MONDO:0008965.

Submission:

Labcorp Genetics (formerly Invitae), Labcorp
Classification: Uncertain significance for CHARGE syndrome. Last evaluated: 2025-01-22. Review status: criteria provided, single submitter. Criteria: Invitae Variant Classification Sherloc (09022015). Collection method: clinical testing. Allele origin: germline.
Comment: This sequence change replaces glutamic acid, which is acidic and polar, with alanine, which is neutral and non-polar, at codon 1539 of the CHD7 protein (p.Glu1539Ala). This variant is not present in population databases (gnomAD no frequency). This variant has not been reported in the literature in individuals affected with CHD7-related conditions. Invitae Evidence Modeling of protein sequence and biophysical properties (such as structural, functional, and spatial information, amino acid conservation, physicochemical variation, residue mobility, and thermodynamic stability) indicates that this missense variant is expected to disrupt CHD7 protein function with a positive predictive value of 95%. In summary, the available evidence is currently insufficient to determine the role of this variant in disease. Therefore, it has been classified as a Variant of Uncertain Significance.

NM_017780.4(CHD7):c.4616A>C (p.Glu1539Ala)

Gene: CHD7 (chromodomain helicase DNA binding protein 7; plus strand). Cytogenetic location: 8q12.2.
Variant type: single nucleotide variant.
Coding change: c.4616A>C on transcript NM_017780.4 (MANE Select); coding-DNA position 4616, A replaced by C.
Protein change: p.Glu1539Ala; replaces glutamic acid 1539 with alanine.
Molecular consequence: missense variant. On other transcripts: intron variant (1).
Genome position (GRCh38, 1-based): chr8:60,841,726, A>C. VCF-style: chr8-60841726-A-C. GRCh37 (hg19) VCF-style: chr8-61754285-A-C.
Other names: c.1717-20503A>C (NM_001316690.1); short protein forms E1539A.
Identifiers: ClinVar variation 3716094 (VCV003716094.2).